The following is an entry in ClinVar:

ClinVar aggregate classification (germline): Pathogenic. Review status: criteria provided, single submitter (1 of 4 stars). 2 submissions from 2 submitters: Pathogenic (1). 1 of the submissions does not count toward it. Last evaluated 2022-04-05.

Conditions:
Xeroderma pigmentosum group G/Cockayne syndrome (XPG/CS). Also called: Xeroderma pigmentosum, type G/Cockayne syndrome. Identifiers: MedGen C1968561, MONDO:0800314.
Xeroderma pigmentosum (XP). Identifiers: Orphanet 910, MedGen C0043346, MONDO:0019600.

Submissions (2):

Women's Health and Genetics/Laboratory Corporation of America, LabCorp
Classification: Pathogenic for Xeroderma pigmentosum. Last evaluated: 2022-04-05. Review status: criteria provided, single submitter. Criteria: LabCorp Variant Classification Summary - May 2015. Collection method: clinical testing. Allele origin: germline.
Comment: Variant summary: ERCC5 c.1975delA (p.Ser659ValfsX2) results in a premature termination codon, predicted to cause a truncation of the encoded protein or absence of the protein due to nonsense mediated decay, which are commonly known mechanisms for disease. Truncations downstream of this position have been classified as pathogenic by our laboratory. The variant was absent in 250700 control chromosomes. c.1975delA has been reported in the literature in individuals affected with Xeroderma Pigmentosum (example, Nouspikel_1997 cited in Chikhaoui_2019). These data indicate that the variant may be associated with disease. No clinical diagnostic laboratories have submitted clinical-significance assessments for this variant to ClinVar after 2014. Based on the evidence outlined above, the variant was classified as pathogenic.

OMIM
Classification: Pathogenic for XERODERMA PIGMENTOSUM GROUP G/COCKAYNE SYNDROME. Last evaluated: 1997-04-01. Review status: no assertion criteria provided. Collection method: literature only. Allele origin: germline. Not counted in ClinVar's aggregate classification.

Literature cited by the submitters: PubMed 30838033 (cited by Women's Health and Genetics/Laboratory Corporation of America, LabCorp); PubMed 9096355 (cited by OMIM); PubMed 2478446 (cited by OMIM); PubMed 8317483 (cited by OMIM).

NM_000123.4(ERCC5):c.1975del (p.Ser659fs)

Genes: BIVM-ERCC5 (BIVM-ERCC5 readthrough; plus strand), ERCC5 (ERCC excision repair 5, endonuclease; plus strand). Cytogenetic location: 13q33.1.
Variant type: Deletion.
Coding change: c.1975del on transcript NM_000123.4 (MANE Select); coding-DNA position 1975, one base deleted (A; older notation c.1975delA).
Protein change: p.Ser659fs; shifts the reading frame from serine 659.
Molecular consequence: frameshift variant.
Genome position (GRCh38, 1-based): chr13:102,865,687, A deleted; the last of 3 consecutive A bases (chr13:102,865,685-102,865,687); deleting any one gives the same sequence. VCF-style (leftmost placement, unchanged base first): chr13-102865684-CA-C. GRCh37 (hg19) VCF-style: chr13-103518034-CA-C.
Other names: c.1975del (NM_000123.3); c.3337del, p.Ser1113fs (NM_001204425.2); short protein forms S1113fs, S659fs.
Identifiers: ClinVar variation 1696064 (VCV001696064.2), dbSNP rs1882806435, ClinGen allele CA2115212179.